The following is an entry in ClinVar:

ClinVar aggregate classification (germline): Uncertain significance (1 of 4 stars; one submission).

Submission:

Labcorp Genetics (formerly Invitae), Labcorp
Classification: Uncertain significance. Last evaluated: 2023-06-04. Review status: criteria provided, single submitter. Criteria: Invitae Variant Classification Sherloc (09022015). Collection method: clinical testing. Allele origin: unknown.
Comment: In summary, the available evidence is currently insufficient to determine the role of this variant in disease. Therefore, it has been classified as a Variant of Uncertain Significance. This variant has not been reported in the literature in individuals affected with ADCY1-related conditions. This variant is a gross deletion of the genomic region encompassing exon(s) 4 of the ADCY1 gene. This deletion is out-of-frame, and is expected to create a premature translational stop signal and result in an absent or disrupted protein product. However, the current clinical and genetic evidence is not sufficient to establish whether loss-of-function variants in ADCY1 cause disease.

NC_000007.13:g.(?_45662211)_(45662362_?)del

Gene: ADCY1 (adenylate cyclase 1; plus strand). Cytogenetic location: 7p12.3.
Variant type: Deletion.
Identifiers: ClinVar variation 3245922 (VCV003245922.1).